The following is an entry in ClinVar:

ClinVar aggregate classification (germline): Uncertain significance (1 of 4 stars; one submission).

Submission:

Ambry Genetics
Classification: Uncertain significance. Last evaluated: 2024-06-24. Review status: criteria provided, single submitter. Criteria: Ambry Variant Classification Scheme 2023. Collection method: clinical testing. Allele origin: germline.
Comment: The p.M166T variant (also known as c.497T>C), located in coding exon 1 of the EGLN2 gene, results from a T to C substitution at nucleotide position 497. The methionine at codon 166 is replaced by threonine, an amino acid with similar properties. This amino acid position is conserved. In addition, this alteration is predicted to be tolerated by in silico analysis. Based on the available evidence, the clinical significance of this variant remains unclear.

NM_080732.4(EGLN2):c.497T>C (p.Met166Thr)

Genes: EGLN2 (egl-9 family hypoxia inducible factor 2; plus strand), RAB4B-EGLN2 (RAB4B-EGLN2 readthrough (NMD candidate); plus strand). Cytogenetic location: 19q13.2.
Variant type: single nucleotide variant.
Coding change: c.497T>C on transcript NM_080732.4 (MANE Select); coding-DNA position 497, T replaced by C.
Protein change: p.Met166Thr; replaces methionine 166 with threonine.
Molecular consequence: missense variant. On other transcripts: non-coding transcript variant (1).
Genome position (GRCh38, 1-based): chr19:40,801,069, T>C. VCF-style: chr19-40801069-T-C. GRCh37 (hg19) VCF-style: chr19-41306974-T-C.
Other names: c.497T>C, p.Met166Thr (NM_053046.4); short protein forms M166T.
Identifiers: ClinVar variation 3274839 (VCV003274839.1).